The following is an entry in ClinVar:

ClinVar aggregate classification (germline): Uncertain significance. Review status: criteria provided, multiple submitters, no conflicts (2 of 4 stars). 2 submissions from 2 submitters: Uncertain significance (2). Last evaluated 2023-09-15.

Conditions:
Cardiovascular phenotype. Identifiers: MedGen CN230736.
RASopathy. Also called: rasopathies; Noonan spectrum disorder. Identifiers: Orphanet 536391, MedGen C5555857, MONDO:0021060.

Submissions (2):

Labcorp Genetics (formerly Invitae), Labcorp
Classification: Uncertain significance for RASopathy. Last evaluated: 2023-09-15. Review status: criteria provided, single submitter. Criteria: Invitae Variant Classification Sherloc (09022015). Collection method: clinical testing. Allele origin: germline.
Comment: In summary, the available evidence is currently insufficient to determine the role of this variant in disease. Therefore, it has been classified as a Variant of Uncertain Significance. This variant, c.930_941del, results in the deletion of 4 amino acid(s) of the RAF1 protein (p.Pro311_Ala314del), but otherwise preserves the integrity of the reading frame. Experimental studies and prediction algorithms are not available or were not evaluated, and the functional significance of this variant is currently unknown. This variant has not been reported in the literature in individuals affected with RAF1-related conditions. This variant is not present in population databases (gnomAD no frequency).

Ambry Genetics
Classification: Uncertain significance for Cardiovascular phenotype. Last evaluated: 2023-07-19. Review status: criteria provided, single submitter. Criteria: Ambry Variant Classification Scheme 2023. Collection method: clinical testing. Allele origin: germline.
Comment: The c.930_941del12 variant (also known as p.P311_A314del), located in coding exon 8 of the RAF1 gene, results from an in-frame CCCCGTGCCAGC deletion at nucleotide positions 930 to 941. This results in the in-frame deletion of four amino acid residues (PVPA) at codons 311 to 314. This amino acid region is well conserved in available vertebrate species. In addition, this alteration is predicted to be deleterious by in silico analysis (Choi Y et al. PLoS ONE. 2012; 7(10):e46688). Since supporting evidence is limited at this time, the clinical significance of this alteration remains unclear.

NM_002880.4(RAF1):c.930_941del (p.Pro311_Ala314del)

Gene: RAF1 (Raf-1 proto-oncogene, serine/threonine kinase; minus strand). Cytogenetic location: 3p25.2.
Variant type: Deletion.
Coding change: c.930_941del on transcript NM_002880.4 (MANE Select); coding-DNA positions 930 to 941, 12 bases deleted (CCCCGTGCCAGC).
Protein change: p.Pro311_Ala314del.
Molecular consequence: inframe deletion. On other transcripts: inframe indel (1), non-coding transcript variant (3).
Genome position (GRCh38, 1-based): chr3:12,600,201-12,600,212, GCTGGCACGGGG deleted on the plus strand (CCCCGTGCCAGC on the coding strand, the reverse complement: RAF1 is on the minus strand); deleting any 12 consecutive bases within chr3:12,600,201-12,600,213 gives the same sequence; the c. name uses the placement nearest the transcript's 3' end. VCF-style (leftmost placement, unchanged base first): chr3-12600200-TGCTGGCACGGGG-T. GRCh37 (hg19) VCF-style: chr3-12641699-TGCTGGCACGGGG-T.
Other names: c.930_941del12 (NM_002880.3); c.990_1001del, p.Pro331_Ala334del (NM_001354689.3); c.930_941del, p.Pro311_Ala314del (NM_001354690.3); c.687_698del, p.Pro230_Ala233del (NM_001354691.3, NM_001354692.3); c.831_842del, p.Pro278_Ala281del (NM_001354693.3); c.747_758del, p.Pro250_Ala253del (NM_001354694.3); c.588_599del, p.Pro197_Ala200del (NM_001354695.3).
Identifiers: ClinVar variation 2626567 (VCV002626567.5), dbSNP rs2470304058, ClinGen allele CA2582342837.